The following is an entry in ClinVar:

ClinVar aggregate classification (germline): Uncertain significance (1 of 4 stars; one submission).

Conditions:
Hereditary cancer-predisposing syndrome. Also called: Neoplastic Syndromes, Hereditary; Hereditary Cancer Syndrome; Tumor predisposition; Hereditary neoplastic syndrome. Identifiers: Orphanet 140162, MedGen C0027672, MeSH D009386, MONDO:0015356.

Submission:

Ambry Genetics
Classification: Uncertain significance for Hereditary cancer-predisposing syndrome. Last evaluated: 2025-07-31. Review status: criteria provided, single submitter. Criteria: Ambry Variant Classification Scheme 2023. Collection method: clinical testing. Allele origin: germline.
Comment: The p.A89T variant (also known as c.265G>A), located in coding exon 5 of the SDHC gene, results from a G to A substitution at nucleotide position 265. The alanine at codon 89 is replaced by threonine, an amino acid with similar properties. This amino acid position is conserved. In addition, the in silico prediction for this alteration is inconclusive. Based on the available evidence, the clinical significance of this variant remains unclear.

NM_003001.5(SDHC):c.265G>A (p.Ala89Thr)

Gene: SDHC (succinate dehydrogenase complex subunit C; plus strand). Cytogenetic location: 1q23.3.
Variant type: single nucleotide variant.
Coding change: c.265G>A on transcript NM_003001.5 (MANE Select); coding-DNA position 265, G replaced by A.
Protein change: p.Ala89Thr; replaces alanine 89 with threonine.
Molecular consequence: missense variant. On other transcripts: non-coding transcript variant (1), intron variant (3).
Genome position (GRCh38, 1-based): chr1:161,356,700, G>A. VCF-style: chr1-161356700-G-A. GRCh37 (hg19) VCF-style: chr1-161326490-G-A.
Other names: c.163G>A, p.Ala55Thr (NM_001035512.3); c.106G>A, p.Ala36Thr (NM_001035513.3); c.385G>A, p.Ala129Thr (NM_001407115.1); c.208G>A, p.Ala70Thr (NM_001407116.1); c.202G>A, p.Ala68Thr (NM_001407117.1); c.157G>A, p.Ala53Thr (NM_001407118.1); c.154G>A, p.Ala52Thr (NM_001407119.1, NM_001407120.1); c.242-5629G>A (NM_001035511.3); and 2 more; short protein forms A53T, A70T, A89T, A129T, A52T, A55T, A36T, A68T.
Identifiers: ClinVar variation 3793601 (VCV003793601.2).